The following is an entry in ClinVar:

NM_020975.6(RET):c.1187C>T (p.Ser396Leu)

Gene: RET (ret proto-oncogene; plus strand). Cytogenetic location: 10q11.21.
Variant type: single nucleotide variant.
Coding change: c.1187C>T on transcript NM_020975.6 (MANE Select); coding-DNA position 1187, C replaced by T.
Protein change: p.Ser396Leu; replaces serine 396 with leucine.
Molecular consequence: missense variant.
Genome position (GRCh38, 1-based): chr10:43,109,154, C>T. VCF-style: chr10-43109154-C-T. GRCh37 (hg19) VCF-style: chr10-43604602-C-T.
Other names: c.1187C>T, p.Ser396Leu (NM_000323.2, NM_001406743.1, NM_001406744.1 and 6 more transcripts); c.425C>T, p.Ser142Leu (NM_001355216.2); c.1058C>T, p.Ser353Leu (NM_001406761.1, NM_001406762.1, NM_001406764.1 and 1 more transcripts); c.899C>T, p.Ser300Leu (NM_001406766.1, NM_001406767.1, NM_001406770.1); c.749C>T, p.Ser250Leu (NM_001406771.1, NM_001406773.1); c.461C>T, p.Ser154Leu (NM_001406775.1, NM_001406776.1, NM_001406777.1 and 1 more transcripts); c.197C>T, p.Ser66Leu (NM_001406784.1); c.1187C>T (NM_020630.5); short protein forms S396L, S142L, S300L, S66L, S250L, S154L, S353L.
Identifiers: ClinVar variation 372081 (VCV000372081.30), dbSNP rs781646869, ClinGen allele CA16042116.

ClinVar aggregate classification (germline): Conflicting classifications of pathogenicity. Review status: criteria provided, conflicting classifications (1 of 4 stars). 10 submissions from 9 submitters: Uncertain significance (6); Likely benign (2). 2 of the submissions do not count toward it. Last evaluated 2026-01-25.

Conditions:
Multiple endocrine neoplasia, type 2 (MEN2). Identifiers: Orphanet 653, MedGen C4048306, MONDO:0019003. Disease mechanism: gain of function.
Hirschsprung disease, susceptibility to, 1 (HSCR1). Also called: RET-Related Hirschsprung Disease. Identifiers: Orphanet 388, MedGen C3888239, MONDO:0007723, OMIM 142623.
Multiple endocrine neoplasia type 2B. Also called: WAGENMANN-FROBOESE SYNDROME; MULTIPLE ENDOCRINE NEOPLASIA, TYPE III; MULTIPLE ENDOCRINE NEOPLASIA, TYPE IIB; MEN IIB; NEUROMATA, MUCOSAL, WITH ENDOCRINE TUMORS; MEN 2B. Identifiers: Orphanet 247709, Orphanet 653, MedGen C0025269, MeSH D018814, MONDO:0008082, OMIM 162300.
Pheochromocytoma. Also called: MAX-Related Hereditary Paraganglioma-Pheochromocytoma Syndrome. Identifiers: Orphanet 29072, MedGen C0031511, MONDO:0008233, OMIM 171300, HP:0002666.
Familial medullary thyroid carcinoma (MTC). Also called: Thyroid cancer, familial medullary; MTC, familial; Familial Medullary Thyroid Carcinoma (FMTC). Identifiers: Orphanet 653, Orphanet 99361, MedGen C1833921, MONDO:0007958, OMIM 155240.
Multiple endocrine neoplasia type 2A. Also called: Multiple Endocrine Neoplasia Type 2A (MEN2A); MULTIPLE ENDOCRINE NEOPLASIA, TYPE IIA; PTC SYNDROME; SIPPLE SYNDROME; MEN 2A; MEN-2A syndrome. Identifiers: Orphanet 247698, Orphanet 653, MedGen C0025268, MeSH D018813, MONDO:0008234, OMIM 171400.
Hereditary cancer-predisposing syndrome. Also called: Tumor predisposition; Hereditary Cancer Syndrome; Hereditary neoplastic syndrome; Neoplastic Syndromes, Hereditary. Identifiers: Orphanet 140162, MedGen C0027672, MeSH D009386, MONDO:0015356.

Allele frequency attached by ClinVar (database versions not stated): gnomAD exomes 0.00001 and 0.00002; TOPMed 0.00002; gnomAD 0.00005 and 0.00006.
gnomAD v4.1: 33 of 1,613,712 alleles (0.002%); highest among the groups gnomAD compares: Non-Finnish European, 0.0025%; no homozygotes.

Submissions (10):

Labcorp Genetics (formerly Invitae), Labcorp
Classification: Uncertain significance for Multiple endocrine neoplasia, type 2. Last evaluated: 2026-01-25. Review status: criteria provided, single submitter. Criteria: Invitae Variant Classification Sherloc (09022015). Collection method: clinical testing. Allele origin: germline.
Comment: This sequence change replaces serine, which is neutral and polar, with leucine, which is neutral and non-polar, at codon 396 of the RET protein (p.Ser396Leu). This variant is present in population databases (rs781646869, gnomAD 0.006%). This missense change has been observed in individual(s) with Hirschsprung disease (PMID: 22648184). ClinVar contains an entry for this variant (Variation ID: 372081). An algorithm developed to predict the effect of missense changes on protein structure and function (PolyPhen-2) suggests that this variant is likely to be disruptive. In summary, the available evidence is currently insufficient to determine the role of this variant in disease. Therefore, it has been classified as a Variant of Uncertain Significance.

Ambry Genetics
Classification: Likely benign for Hereditary cancer-predisposing syndrome. Last evaluated: 2025-09-08. Review status: criteria provided, single submitter. Criteria: Ambry Variant Classification Scheme 2023. Collection method: clinical testing. Allele origin: germline.

Color Diagnostics, LLC DBA Color Health
Classification: Likely benign for Multiple endocrine neoplasia, type 2. Last evaluated: 2025-07-05. Review status: criteria provided, single submitter. Criteria: ACMG Guidelines, 2015. Collection method: clinical testing. Allele origin: germline.

Fulgent Genetics
Classification: Uncertain significance for Hirschsprung disease, susceptibility to, 1; Familial medullary thyroid carcinoma; Multiple endocrine neoplasia type 2B; Pheochromocytoma; Multiple endocrine neoplasia type 2A. Last evaluated: 2024-05-21. Review status: criteria provided, single submitter. Criteria: ACMG Guidelines, 2015. Collection method: clinical testing. Allele origin: germline.

Baylor Genetics
Classification: Uncertain significance for Hirschsprung disease, susceptibility to, 1. Last evaluated: 2024-03-27. Review status: criteria provided, single submitter. Criteria: ACMG Guidelines, 2015. Collection method: clinical testing. Allele origin: unknown.

All of Us Research Program, National Institutes of Health
Classification: Uncertain significance for Multiple endocrine neoplasia, type 2. Last evaluated: 2023-12-01. Review status: criteria provided, single submitter. Criteria: ACMG Guidelines, 2015. Collection method: clinical testing. Allele origin: germline. Inheritance: Autosomal dominant inheritance. Observed: 6 variant alleles, 6 heterozygotes.
Comment: This missense variant replaces serine with leucine at codon 396 of the RET protein. Computational prediction suggests that this variant may not impact protein structure and function (internally defined REVEL score threshold <= 0.5, PMID: 27666373). To our knowledge, functional studies have not been reported for this variant. This variant has not been reported as a germline variant in individuals affected with RET-related cancer in the literature. This variant has been identified in 8/282306 chromosomes in the general population by the Genome Aggregation Database (gnomAD). The available evidence is insufficient to determine the role of this variant in disease conclusively. Therefore, this variant is classified as a Variant of Uncertain Significance.

This study involves interpretation of variants in research participants for the purpose of population health screening. Participant phenotype was not available at the time of variant classification. Additional details can be found in publication PMID: 35346344, PMCID: PMC8962531

St. Jude Molecular Pathology, St. Jude Children's Research Hospital
Classification: Uncertain significance for Multiple endocrine neoplasia type 2A. Last evaluated: 2023-08-30. Review status: criteria provided, single submitter. Criteria: St. Jude Assertion Criteria 2020. Collection method: clinical testing. Allele origin: germline.
Comment: The RET c.1187C>T (p.Ser396Leu) missense change has a maximum subpopulation frequency of 0.006% in gnomAD v2.1.1. The in silico tool REVEL is inconclusive about a pathogenic or benign effect of this variant on protein function, and functional studies have not been performed. This variant has been identified in an individual with Hirschsprung's disease (PMID: 22648184). This variant has not been reported in the literature in individuals with multiple endocrine neoplasia type II. In summary, the evidence currently available is insufficient to determine the clinical significance of this variant. It has therefore been classified as of uncertain significance.

ARUP Laboratories, Molecular Genetics and Genomics, ARUP Laboratories
Classification: Uncertain significance. Last evaluated: 2017-03-14. Review status: criteria provided, single submitter. Criteria: ARUP Molecular Germline Variant Investigation Process. Collection method: clinical testing. Allele origin: germline.

Counsyl
Classification: Uncertain significance for Multiple endocrine neoplasia type 2B. Last evaluated: 2016-03-11. Review status: no assertion criteria provided. Collection method: clinical testing. Allele origin: unknown. Not counted in ClinVar's aggregate classification.

Counsyl
Classification: Uncertain significance for Multiple endocrine neoplasia type 2A. Last evaluated: 2016-03-11. Review status: no assertion criteria provided. Collection method: clinical testing. Allele origin: unknown. Not counted in ClinVar's aggregate classification.

Literature cited by the submitters: PubMed 22648184 (cited by 3 submitters).